The following is an entry in ClinVar:

ClinVar aggregate classification (germline): Pathogenic (1 of 4 stars; one submission).

Submission:

Labcorp Genetics (formerly Invitae), Labcorp
Classification: Pathogenic. Last evaluated: 2023-06-07. Review status: criteria provided, single submitter. Criteria: Invitae Variant Classification Sherloc (09022015). Collection method: clinical testing. Allele origin: unknown.
Comment: For these reasons, this variant has been classified as Pathogenic. A similar copy number variant has been observed in individual(s) with SLC26A4-related conditions (PMID: 30268946). This variant is a gross deletion of the genomic region encompassing exon(s) 2-3 of the SLC26A4 gene, which includes the initiator codon. This deletion extends beyond the assayed region for this gene and therefore may encompass additional genes. It is expected to result in an absent or disrupted protein product. Loss-of-function variants in SLC26A4 are known to be pathogenic (PMID: 16283880, 25394566, 26252218, 26445815).

Literature cited by the submitters: PubMed 30268946; PubMed 16283880; PubMed 25394566; PubMed 26252218; PubMed 26445815.

NC_000007.13:g.(?_107301301)_(107303900_?)del

Gene: SLC26A4 (solute carrier family 26 member 4; plus strand). Cytogenetic location: 7q22.3.
Variant type: Deletion.
Identifiers: ClinVar variation 3245850 (VCV003245850.1).